The following is an entry in ClinVar:

NM_001128148.3(TFRC):c.1468+25G>T

Gene: TFRC (transferrin receptor; minus strand). Cytogenetic location: 3q29.
Variant type: single nucleotide variant.
Coding change: c.1468+25G>T on transcript NM_001128148.3 (MANE Select); 25 bases into the intron after coding-DNA position 1468, G replaced by T.
Molecular consequence: intron variant.
Genome position (GRCh38, 1-based): chr3:196,062,557, C>A on the plus strand (G>T on the coding strand, the complement: TFRC is on the minus strand). VCF-style: chr3-196062557-C-A. GRCh37 (hg19) VCF-style: chr3-195789428-C-A.
Other names: c.622+25G>T (NM_001313966.2); c.1225+25G>T (NM_001313965.2); c.1468+25G>T (NM_003234.4).
Identifiers: ClinVar variation 1238317 (VCV001238317.9), dbSNP rs507131, ClinGen allele CA2777913.

ClinVar aggregate classification (germline): Benign. Review status: criteria provided, multiple submitters, no conflicts (2 of 4 stars). 4 submissions from 4 submitters: Benign (4). Last evaluated 2023-11-12.

Conditions:
TFRC-related combined immunodeficiency. Also called: Immunodeficiency 46. Identifiers: Orphanet 476113, MedGen C5568133, MONDO:0014760, OMIM 616740.

Allele frequency attached by ClinVar (database versions not stated): 1000 Genomes Project 0.65615; 1000 Genomes Project 30x 0.65662; TOPMed 0.76547; gnomAD 0.79653 and 0.79828; ESP Exome Variant Server 0.81785; gnomAD exomes 0.81808 and 0.89555; ExAC 0.82393.
gnomAD v4.1: 1,408,727 of 1,592,122 alleles (88%); highest among the groups gnomAD compares: Non-Finnish European, 93%; 635,521 homozygotes.

Submissions (4):

Unidad de Genómica Garrahan, Hospital de Pediatría Garrahan
Classification: Benign. Last evaluated: 2023-11-12. Review status: criteria provided, single submitter. Criteria: ACMG Guidelines, 2015. Collection method: clinical testing. Allele origin: germline. Affected: no. Observed: 89 variant alleles.
Comment: This variant is classified as Benign based on local population frequency. This variant was detected in 93% of patients studied by a panel of primary immunodeficiencies. Number of patients: 89. Only high quality variants are reported.

Genome-Nilou Lab
Classification: Benign for TFRC-related combined immunodeficiency. Last evaluated: 2021-09-10. Review status: criteria provided, single submitter. Criteria: ACMG Guidelines, 2015. Collection method: clinical testing. Allele origin: germline. Affected: no.

GeneDx
Classification: Benign. Last evaluated: 2021-06-19. Review status: criteria provided, single submitter. Criteria: GeneDx Variant Classification Process June 2021. Collection method: clinical testing. Allele origin: germline. Affected: yes.

Breakthrough Genomics
Classification: Benign. Review status: criteria provided, single submitter. Criteria: ACMG Guidelines, 2015. Collection method: not provided. Allele origin: germline. Inheritance: Autosomal recessive inheritance. Affected: yes.